The following is an entry in ClinVar:

NM_001148.6(ANK2):c.11767A>G (p.Met3923Val)

Gene: ANK2 (ankyrin 2; plus strand). Cytogenetic location: 4q26.
Variant type: single nucleotide variant.
Coding change: c.11767A>G on transcript NM_001148.6 (MANE Select); coding-DNA position 11767, A replaced by G.
Protein change: p.Met3923Val; replaces methionine 3923 with valine.
Molecular consequence: missense variant. On other transcripts: intron variant (9).
Genome position (GRCh38, 1-based): chr4:113,373,357, A>G. VCF-style: chr4-113373357-A-G. GRCh37 (hg19) VCF-style: chr4-114294513-A-G.
Other names: c.5485A>G, p.Met1829Val (NM_001127493.3); c.5524A>G, p.Met1842Val (NM_001354225.2); c.5506A>G, p.Met1836Val (NM_001354228.2); c.5491A>G, p.Met1831Val (NM_001354230.2); c.5647A>G, p.Met1883Val (NM_001354231.2); c.5641A>G, p.Met1881Val (NM_001354232.2); c.5602A>G, p.Met1868Val (NM_001354235.2); c.5410A>G, p.Met1804Val (NM_001354236.2); and 50 more; short protein forms M1710V, M1738V, M1760V, M1772V, M1776V, M1784V, M1791V, M1804V.
Identifiers: ClinVar variation 4738785 (VCV004738785.1).

ClinVar aggregate classification (germline): Uncertain significance (1 of 4 stars; one submission).

Conditions:
Long QT syndrome (LQTS). Identifiers: MedGen C0023976, MeSH D008133, MONDO:0002442. Disease mechanism: loss of function. Inheritance: Various modes of inheritance.

Submission:

Labcorp Genetics (formerly Invitae), Labcorp
Classification: Uncertain significance for Long QT syndrome. Last evaluated: 2025-03-19. Review status: criteria provided, single submitter. Criteria: Invitae Variant Classification Sherloc (09022015). Collection method: clinical testing. Allele origin: germline.
Comment: This sequence change replaces methionine, which is neutral and non-polar, with valine, which is neutral and non-polar, at codon 3923 of the ANK2 protein (p.Met3923Val). This variant is not present in population databases (gnomAD no frequency). This variant has not been reported in the literature in individuals affected with ANK2-related conditions. An algorithm developed to predict the effect of missense changes on protein structure and function (PolyPhen-2) suggests that this variant is likely to be tolerated. In summary, the available evidence is currently insufficient to determine the role of this variant in disease. Therefore, it has been classified as a Variant of Uncertain Significance.